The following is an entry in ClinVar:

NM_005263.5(GFI1):c.541G>A (p.Ala181Thr)

Gene: GFI1 (growth factor independent 1 transcriptional repressor; minus strand). Cytogenetic location: 1p22.1.
Variant type: single nucleotide variant.
Coding change: c.541G>A on transcript NM_005263.5 (MANE Select); coding-DNA position 541, G replaced by A.
Protein change: p.Ala181Thr; replaces alanine 181 with threonine.
Molecular consequence: missense variant.
Genome position (GRCh38, 1-based): chr1:92,480,846, C>T on the plus strand (G>A on the coding strand, the complement: GFI1 is on the minus strand). VCF-style: chr1-92480846-C-T. GRCh37 (hg19) VCF-style: chr1-92946403-C-T.
Other names: c.541G>A, p.Ala181Thr (NM_001127215.3, NM_001127216.3); c.541G>A (NM_005263.3); short protein forms A181T.
Identifiers: ClinVar variation 1163738 (VCV001163738.14), dbSNP rs1345753394, ClinGen allele CA341149628.
Genomic context (GRCh38, chr1:92,480,846, plus strand): 5'-CGTAGAGCCCTAGGCCAGGGCCAGCGGTGGCACCGGCCCCTGCGCTGCAGCTCCCTGGCG[C>T]CCCGGCCCCCGCGCCGCCGGCAGCCCGCTTCGGGCCGTACAGCGCGGCCGGGTGGCCAGG-3'
Protein context (NP_005254.2, residues 171-191): KRAAGGAGAG[Ala181Thr]PGSCSAGAGA

ClinVar aggregate classification (germline): Uncertain significance. Review status: criteria provided, multiple submitters, no conflicts (2 of 4 stars). 4 submissions from 4 submitters: Uncertain significance (4). Last evaluated 2025-03-06.

Conditions:
Nonimmune chronic idiopathic neutropenia of adults. Identifiers: Orphanet 2688, MedGen C1842930, MONDO:0011922, OMIM 607847.
Neutropenia, severe congenital, 2, autosomal dominant. Identifiers: Orphanet 486, MedGen C2751288, MONDO:0013139, OMIM 613107.

Allele frequency attached by ClinVar (database versions not stated): gnomAD exomes below 0.00001 and 0.00001; gnomAD 0.00001; TOPMed 0.00001.

Submissions (4):

Ambry Genetics
Classification: Uncertain significance. Last evaluated: 2025-03-06. Review status: criteria provided, single submitter. Criteria: Ambry Variant Classification Scheme 2023. Collection method: clinical testing. Allele origin: germline.

Labcorp Genetics (formerly Invitae), Labcorp
Classification: Uncertain significance for Neutropenia, severe congenital, 2, autosomal dominant. Last evaluated: 2022-12-03. Review status: criteria provided, single submitter. Criteria: Invitae Variant Classification Sherloc (09022015). Collection method: clinical testing. Allele origin: germline.
Comment: Advanced modeling of protein sequence and biophysical properties (such as structural, functional, and spatial information, amino acid conservation, physicochemical variation, residue mobility, and thermodynamic stability) performed at Invitae indicates that this missense variant is not expected to disrupt GFI1 protein function. This variant has not been reported in the literature in individuals affected with GFI1-related conditions. ClinVar contains an entry for this variant (Variation ID: 1163738). This variant is present in population databases (no rsID available, gnomAD 0.01%). In summary, the available evidence is currently insufficient to determine the role of this variant in disease. Therefore, it has been classified as a Variant of Uncertain Significance. This sequence change replaces alanine, which is neutral and non-polar, with threonine, which is neutral and polar, at codon 181 of the GFI1 protein (p.Ala181Thr).

Mayo Clinic Laboratories, Mayo Clinic
Classification: Uncertain significance. Last evaluated: 2020-09-14. Review status: criteria provided, single submitter. Criteria: ACMG Guidelines, 2015. Collection method: clinical testing. Allele origin: germline. Observed: 1 variant allele.

Center for Genomics, Ann and Robert H. Lurie Children's Hospital of Chicago
Classification: Uncertain significance for Nonimmune chronic idiopathic neutropenia of adults; Neutropenia, severe congenital, 2, autosomal dominant. Review status: criteria provided, single submitter. Criteria: ACMG Guidelines, 2015. Collection method: clinical testing. Allele origin: germline.
Comment: This variant has not been reported but is present in 0.002% (1/41382) of European alleles in the Genome Aggregation Database. This variant is also present in ClinVar (Variation ID:1163738). Evolutionary conservation and computational predictive tools suggest that this variant may not impact the protein. In summary, data on this variant is insufficient for disease classification. Therefore, the clinical significance of this variant is uncertain.